The following is an entry in ClinVar:

NM_007294.4(BRCA1):c.4273C>T (p.Pro1425Ser)

Gene: BRCA1 (BRCA1 DNA repair associated; minus strand). Cytogenetic location: 17q21.31.
Variant type: single nucleotide variant.
Coding change: c.4273C>T on transcript NM_007294.4 (MANE Select); coding-DNA position 4273, C replaced by T.
Protein change: p.Pro1425Ser; replaces proline 1425 with serine.
Molecular consequence: missense variant. On other transcripts: non-coding transcript variant (1).
Genome position (GRCh38, 1-based): chr17:43,082,488, G>A on the plus strand (C>T on the coding strand, the complement: BRCA1 is on the minus strand). VCF-style: chr17-43082488-G-A. GRCh37 (hg19) VCF-style: chr17-41234505-G-A.
Other names: 4392C>T; c.4060C>T, p.Pro1354Ser (NM_001407571.1, NM_001407898.1, NM_001407899.1 and 12 more transcripts); c.4273C>T, p.Pro1425Ser (NM_001407581.1, NM_001407582.1, NM_001407583.1 and 23 more transcripts); c.4270C>T, p.Pro1424Ser (NM_001407587.1, NM_001407590.1, NM_001407591.1 and 21 more transcripts); c.4267C>T, p.Pro1423Ser (NM_001407627.1, NM_001407628.1, NM_001407629.1 and 5 more transcripts); c.4261C>T, p.Pro1421Ser (NM_001407647.1, NM_001407646.1); c.4150C>T, p.Pro1384Ser (NM_001407648.1, NM_001407668.1, NM_001407669.1 and 13 more transcripts); c.4147C>T, p.Pro1383Ser (NM_001407649.1, NM_001407670.1, NM_001407671.1 and 12 more transcripts); and 52 more; short protein forms P1425S, P1378S, P322S, P1256S, P1336S, P1355S, P1357S, P1376S.
Identifiers: ClinVar variation 252880 (VCV000252880.20), dbSNP rs768327850, ClinGen allele CA059807.

ClinVar aggregate classification (germline): Conflicting classifications of pathogenicity. Review status: criteria provided, conflicting classifications (1 of 4 stars). 8 submissions from 8 submitters: Uncertain significance (5); Likely benign (2). 1 of the submissions does not count toward it. Last evaluated 2026-05-28.

Conditions:
Hereditary cancer-predisposing syndrome. Also called: Hereditary Cancer Syndrome; Neoplastic Syndromes, Hereditary; Hereditary neoplastic syndrome; Tumor predisposition. Identifiers: Orphanet 140162, MedGen C0027672, MeSH D009386, MONDO:0015356.
Hereditary breast ovarian cancer syndrome. Also called: Hereditary breast and ovarian cancer syndrome (HBOC); Breast and ovarian cancer; Hereditary breast and ovarian cancer syndrome; Hereditary breast and ovarian cancer; BRCA1- and BRCA2-Associated Hereditary Breast and Ovarian Cancer; Hereditary breast and/or ovarian cancer syndrome. Identifiers: Orphanet 145, MedGen C0677776, MeSH D061325, MONDO:0003582. Disease mechanism: loss of function.
Breast-ovarian cancer, familial, susceptibility to, 1 (BROVCA1). Also called: BRCA1 Hereditary Breast and Ovarian Cancer; OVARIAN CANCER, SUSCEPTIBILITY TO. Identifiers: Orphanet 145, MedGen C2676676, MONDO:0011450, OMIM 604370. Disease mechanism: loss of function.
Familial cancer of breast. Also called: BREAST CANCER, FAMILIAL; hereditary breast carcinoma; Hereditary breast cancer. Identifiers: Orphanet 227535, MedGen C0346153, MONDO:0016419, OMIM 114480. Disease mechanism: loss of function.

Allele frequency attached by ClinVar (database versions not stated): ExAC 0.00001; gnomAD exomes 0.00001 and below 0.00001.
gnomAD v4.1: 5 of 1,614,100 alleles (0.00031%); highest among the groups gnomAD compares: South Asian, 0.0055%; no homozygotes.

Submissions (8):

Myriad Genetics, Inc.
Classification: Likely benign for Breast-ovarian cancer, familial, susceptibility to, 1. Last evaluated: 2026-05-28. Review status: criteria provided, single submitter. Criteria: Myriad Autosomal Dominant, Autosomal Recessive and X-Linked Classification Criteria (2023). Collection method: clinical testing. Allele origin: unknown.
Comment: This variant is considered likely benign. This variant is strongly associated with less severe personal and family histories of cancer, typical for individuals without pathogenic variants in this gene [PMID: 25085752].

MGZ Medical Genetics Center
Classification: Likely benign for Familial cancer of breast. Last evaluated: 2024-02-09. Review status: criteria provided, single submitter. Criteria: CSpec BRCA1/2ACMG Rules Specifications V1.1.0. Collection method: clinical testing. Allele origin: germline. Affected: yes.
Comment: ACMG codes applied following ENIGMA VCEP rules: BP1_STR, PM2_SUP

Labcorp Genetics (formerly Invitae), Labcorp
Classification: Uncertain significance for Hereditary breast ovarian cancer syndrome. Last evaluated: 2024-01-09. Review status: criteria provided, single submitter. Criteria: Invitae Variant Classification Sherloc (09022015). Collection method: clinical testing. Allele origin: germline.
Comment: This sequence change replaces proline, which is neutral and non-polar, with serine, which is neutral and polar, at codon 1425 of the BRCA1 protein (p.Pro1425Ser). This variant is present in population databases (rs768327850, gnomAD 0.01%). This variant has not been reported in the literature in individuals affected with BRCA1-related conditions. ClinVar contains an entry for this variant (Variation ID: 252880). Advanced modeling of protein sequence and biophysical properties (such as structural, functional, and spatial information, amino acid conservation, physicochemical variation, residue mobility, and thermodynamic stability) performed at Invitae indicates that this missense variant is not expected to disrupt BRCA1 protein function with a negative predictive value of 95%. In summary, the available evidence is currently insufficient to determine the role of this variant in disease. Therefore, it has been classified as a Variant of Uncertain Significance.

Ambry Genetics
Classification: Uncertain significance for Hereditary cancer-predisposing syndrome. Last evaluated: 2023-11-16. Review status: criteria provided, single submitter. Criteria: Ambry Variant Classification Scheme 2023. Collection method: clinical testing. Allele origin: germline.
Comment: The p.P1425S variant (also known as c.4273C>T), located in coding exon 11 of the BRCA1 gene, results from a C to T substitution at nucleotide position 4273. The proline at codon 1425 is replaced by serine, an amino acid with similar properties. This alteration was seen in 1/732 breast cancer patients, 0/189 colorectal cancer patients and 0/490 cancer-free elderly controls in a Turkish population (Akcay IM et al. Int J Cancer, 2021 Jan;148:285-295). This amino acid position is not well conserved in available vertebrate species. In addition, this alteration is predicted to be tolerated by in silico analysis. Since supporting evidence is limited at this time, the clinical significance of this alteration remains unclear.

Quest Diagnostics Nichols Institute San Juan Capistrano
Classification: Uncertain significance. Last evaluated: 2023-11-08. Review status: criteria provided, single submitter. Criteria: Quest Diagnostics criteria. Collection method: clinical testing. Allele origin: unknown.
Comment: The BRCA1 c.4273C>T (p.Pro1425Ser) variant has been reported in the published literature in an individual with breast cancer (PMID: 32658311 (2021)). The frequency of this variant in the general population, 0.000004 (1/251440 chromosomes (Genome Aggregation Database)), is uninformative in the assessment of its pathogenicity. Analysis of this variant using bioinformatics tools for the prediction of the effect of amino acid changes on protein structure and function yielded predictions that this variant is benign. Based on the available information, we are unable to determine the clinical significance of this variant.

Baylor Genetics
Classification: Uncertain significance for Breast-ovarian cancer, familial, susceptibility to, 1. Last evaluated: 2023-05-23. Review status: criteria provided, single submitter. Criteria: ACMG Guidelines, 2015. Collection method: clinical testing. Allele origin: unknown.

Color Diagnostics, LLC DBA Color Health
Classification: Uncertain significance for Hereditary cancer-predisposing syndrome. Last evaluated: 2019-04-04. Review status: criteria provided, single submitter. Criteria: ACMG Guidelines, 2015. Collection method: clinical testing. Allele origin: germline.

Sharing Clinical Reports Project (SCRP)
Classification: Uncertain significance for Breast-ovarian cancer, familial 1. Last evaluated: 2013-07-03. Review status: no assertion criteria provided. Collection method: clinical testing. Allele origin: germline. Not counted in ClinVar's aggregate classification.

Literature cited by the submitters: PubMed 25085752 (cited by Myriad Genetics, Inc.); PubMed 32658311 (cited by Ambry Genetics and Quest Diagnostics Nichols Institute San Juan Capistrano).